The following is an entry in ClinVar:

ClinVar aggregate classification (germline): Benign/Likely benign. Review status: criteria provided, multiple submitters, no conflicts (2 of 4 stars). 5 submissions from 5 submitters: Benign (1); Likely benign (4). Last evaluated 2026-01-20.

Conditions:
RIPOR2-related disorder. Also called: RIPOR2-related condition.

Allele frequency attached by ClinVar (database versions not stated): gnomAD exomes 0.00008 and 0.00038; TOPMed 0.00012; gnomAD 0.00013 and 0.00015; ExAC 0.00031; 1000 Genomes Project 0.00060; 1000 Genomes Project 30x 0.00062.
gnomAD v4.1: 138 of 1,608,368 alleles (0.0086%); highest among the groups gnomAD compares: East Asian, 0.3%; 2 homozygotes.

Submissions (5):

Labcorp Genetics (formerly Invitae), Labcorp
Classification: Benign. Last evaluated: 2026-01-20. Review status: criteria provided, single submitter. Criteria: Invitae Variant Classification Sherloc (09022015). Collection method: clinical testing. Allele origin: germline.

PreventionGenetics, part of Exact Sciences
Classification: Likely benign for RIPOR2-related condition. Last evaluated: 2025-05-28. Review status: criteria provided, single submitter. Criteria: ACMG Guidelines, 2015. Collection method: clinical testing. Allele origin: germline.
Comment: This variant is classified as likely benign based on ACMG/AMP sequence variant interpretation guidelines (Richards et al. 2015 PMID: 25741868, with internal and published modifications).

Blueprint Genetics
Classification: Likely benign. Last evaluated: 2024-09-12. Review status: criteria provided, single submitter. Criteria: ACMG Guidelines, 2015. Collection method: clinical testing. Allele origin: germline.

CeGaT Center for Human Genetics Tuebingen
Classification: Likely benign. Last evaluated: 2022-11-01. Review status: criteria provided, single submitter. Criteria: CeGaT Center For Human Genetics Tuebingen Variant Classification Criteria Version 2. Collection method: clinical testing. Allele origin: germline. Affected: yes. Observed: 1 variant allele.
Comment: RIPOR2: BP4, BP7, BS2

GeneDx
Classification: Likely benign. Last evaluated: 2020-08-10. Review status: criteria provided, single submitter. Criteria: GeneDx Variant Classification Process June 2021. Collection method: clinical testing. Allele origin: germline. Affected: yes.

NM_001286445.3(RIPOR2):c.1692T>G (p.Ser564=)

Gene: RIPOR2 (RHO family interacting cell polarization regulator 2; minus strand). Cytogenetic location: 6p22.3.
Variant type: single nucleotide variant.
Coding change: c.1692T>G on transcript NM_001286445.3 (MANE Select); coding-DNA position 1692, T replaced by G.
Protein change: p.Ser564=; no amino-acid change (serine 564 retained).
Molecular consequence: synonymous variant.
Genome position (GRCh38, 1-based): chr6:24,843,027, A>C on the plus strand (T>G on the coding strand, the complement: RIPOR2 is on the minus strand). VCF-style: chr6-24843027-A-C. GRCh37 (hg19) VCF-style: chr6-24843255-A-C.
Other names: c.1707T>G, p.Ser569= (NM_001286446.3); c.1605T>G, p.Ser535= (NM_001286447.2, NM_001346031.2, NM_001346032.2 and 1 more transcripts); c.1755T>G, p.Ser585= (NM_014722.5); c.1755T>G (NM_014722.4).
Identifiers: ClinVar variation 1317798 (VCV001317798.37), dbSNP rs192301153, ClinGen allele CA3659207.